The following is an entry in ClinVar:

NM_001128.6(AP1G1):c.2347A>G (p.Lys783Glu)

Gene: AP1G1 (adaptor related protein complex 1 subunit gamma 1; minus strand). Cytogenetic location: 16q22.2.
Variant type: single nucleotide variant.
Coding change: c.2347A>G on transcript NM_001128.6 (MANE Select); coding-DNA position 2347, A replaced by G.
Protein change: p.Lys783Glu; replaces lysine 783 with glutamic acid.
Molecular consequence: missense variant.
Genome position (GRCh38, 1-based): chr16:71,734,629, T>C on the plus strand (A>G on the coding strand, the complement: AP1G1 is on the minus strand). VCF-style: chr16-71734629-T-C. GRCh37 (hg19) VCF-style: chr16-71768532-T-C.
Other names: c.2356A>G, p.Lys786Glu (NM_001030007.2); short protein forms K783E, K786E.
Identifiers: ClinVar variation 2630086 (VCV002630086.2), dbSNP rs2543488971, ClinGen allele CA396662290.

ClinVar aggregate classification (germline): Uncertain significance (1 of 4 stars; one submission).

Conditions:
AP1G1-related disorder. Also called: AP1G1-related condition.

gnomAD v4.1: 1 of 1,613,658 alleles (0.000062%); no homozygotes.

Submission:

PreventionGenetics, part of Exact Sciences
Classification: Uncertain significance for AP1G1-related condition. Last evaluated: 2025-08-28. Review status: criteria provided, single submitter. Criteria: ACMG Guidelines, 2015. Collection method: clinical testing. Allele origin: germline.
Comment: The AP1G1 c.2356A>G variant is predicted to result in the amino acid substitution p.Lys786Glu. To our knowledge, this variant has not been reported in the literature or in gnomAD, indicating this variant is rare. At this time, the clinical significance of this variant is uncertain due to the absence of conclusive functional and genetic evidence.